The following is an entry in ClinVar:

NM_001377448.1(BAHCC1):c.7197C>T (p.Gly2399=)

Gene: BAHCC1 (BAH domain and coiled-coil containing 1; plus strand). Cytogenetic location: 17q25.3.
Variant type: single nucleotide variant.
Coding change: c.7197C>T on transcript NM_001377448.1 (MANE Select); coding-DNA position 7197, C replaced by T.
Protein change: p.Gly2399=; no amino-acid change (glycine 2399 retained).
Molecular consequence: synonymous variant.
Genome position (GRCh38, 1-based): chr17:81,461,860, C>T. VCF-style: chr17-81461860-C-T. GRCh37 (hg19) VCF-style: chr17-79428886-C-T.
Other names: c.7290C>T, p.Gly2430= (NM_001291324.3).
Identifiers: ClinVar variation 2648456 (VCV002648456.24), dbSNP rs2512567351, ClinGen allele CA502418677.

ClinVar aggregate classification (germline): Likely benign (1 of 4 stars; one submission).

Submission:

CeGaT Center for Human Genetics Tuebingen
Classification: Likely benign. Last evaluated: 2022-03-01. Review status: criteria provided, single submitter. Criteria: CeGaT Center For Human Genetics Tuebingen Variant Classification Criteria Version 2. Collection method: clinical testing. Allele origin: germline. Affected: yes. Observed: 1 variant allele.
Comment: BAHCC1: PM2:Supporting, BP4, BP7